The following is an entry in ClinVar:

NM_001377265.1(MAPT):c.110G>T (p.Gly37Val)

Gene: MAPT (microtubule associated protein tau). Cytogenetic location: 17q21.31.
Variant type: single nucleotide variant.
Coding change: c.110G>T on transcript NM_001377265.1 (MANE Select); coding-DNA position 110, G replaced by T.
Protein change: p.Gly37Val; replaces glycine 37 with valine.
Molecular consequence: missense variant. On other transcripts: non-coding transcript variant (1).
Genome position (GRCh38, 1-based): chr17:45,962,447, G>T. VCF-style: chr17-45962447-G-T. GRCh37 (hg19) VCF-style: chr17-44039813-G-T.
Other names: c.110G>T, p.Gly37Val (NM_001123066.4, NM_001123067.4, NM_001203251.2 and 8 more transcripts); short protein forms G37V.
Identifiers: ClinVar variation 1302562 (VCV001302562.2), dbSNP rs966689443, ClinGen allele CA399898799.
Genomic context (GRCh38, chr17:45,962,447, plus strand): 5'-CGTACGGGTTGGGGGACAGGAAAGATCAGGGGGGCTACACCATGCACCAAGACCAAGAGG[G>T]TGACACGGACGCTGGCCTGAAAGGTTAGTGGACAGCCATGCACAGCAGGCCCAGATCACT-3'
Protein context (NP_001364194.1, residues 27-47): GGYTMHQDQE[Gly37Val]DTDAGLKESP

ClinVar aggregate classification (germline): Uncertain significance (1 of 4 stars; one submission).

gnomAD v4.1: 1 of 1,612,874 alleles (0.000062%); highest among the groups gnomAD compares: African/African-American, 0.0013%; no homozygotes.

Submission:

GeneDx
Classification: Uncertain significance. Last evaluated: 2019-06-20. Review status: criteria provided, single submitter. Criteria: GeneDx Variant Classification Process June 2021. Collection method: clinical testing. Allele origin: germline. Affected: yes.
Comment: Not observed in large population cohorts (Lek et al., 2016); In silico analysis, which includes protein predictors and evolutionary conservation, supports a deleterious effect; Has not been previously published as pathogenic or benign to our knowledge